The following is an entry in ClinVar:

ClinVar aggregate classification (germline): Uncertain significance (1 of 4 stars; one submission).

Conditions:
Charcot-Marie-Tooth disease type 2. Also called: Charcot-Marie-Tooth type 2. Identifiers: Orphanet 64746, MedGen C0270914, MONDO:0018993.

Allele frequency attached by ClinVar (database versions not stated): gnomAD 0.00001; gnomAD exomes below 0.00001; ExAC 0.00001.
gnomAD v4.1: 2 of 1,614,030 alleles (0.00012%); highest among the groups gnomAD compares: Admixed American, 0.0033%; no homozygotes.

Submission:

Labcorp Genetics (formerly Invitae), Labcorp
Classification: Uncertain significance for Charcot-Marie-Tooth disease type 2. Last evaluated: 2021-12-10. Review status: criteria provided, single submitter. Criteria: Invitae Variant Classification Sherloc (09022015). Collection method: clinical testing. Allele origin: germline.
Comment: In summary, the available evidence is currently insufficient to determine the role of this variant in disease. Therefore, it has been classified as a Variant of Uncertain Significance. Algorithms developed to predict the effect of missense changes on protein structure and function are either unavailable or do not agree on the potential impact of this missense change (SIFT: "Tolerated"; PolyPhen-2: "Probably Damaging"; Align-GVGD: "Class C0"). This variant has not been reported in the literature in individuals affected with GARS-related conditions. This variant is present in population databases (rs772854097, gnomAD 0.003%). This sequence change replaces aspartic acid, which is acidic and polar, with histidine, which is basic and polar, at codon 688 of the GARS protein (p.Asp688His).

NM_002047.4(GARS1):c.2062G>C (p.Asp688His)

Gene: GARS1 (glycyl-tRNA synthetase 1; plus strand). Cytogenetic location: 7p14.3.
Variant type: single nucleotide variant.
Coding change: c.2062G>C on transcript NM_002047.4 (MANE Select); coding-DNA position 2062, G replaced by C.
Protein change: p.Asp688His; replaces aspartic acid 688 with histidine.
Molecular consequence: missense variant.
Genome position (GRCh38, 1-based): chr7:30,632,405, G>C. VCF-style: chr7-30632405-G-C. GRCh37 (hg19) VCF-style: chr7-30672021-G-C.
Other names: c.1900G>C, p.Asp634His (NM_001316772.1); short protein forms D634H, D688H.
Identifiers: ClinVar variation 2187088 (VCV002187088.4), dbSNP rs772854097, ClinGen allele CA4206142.